The following is an entry in ClinVar:

NM_024675.4(PALB2):c.2985A>C (p.Ala995=)

Gene: PALB2 (partner and localizer of BRCA2; minus strand). Cytogenetic location: 16p12.2.
Variant type: single nucleotide variant.
Coding change: c.2985A>C on transcript NM_024675.4 (MANE Select); coding-DNA position 2985, A replaced by C.
Protein change: p.Ala995=; no amino-acid change (alanine 995 retained).
Molecular consequence: synonymous variant. On other transcripts: intron variant (1).
Genome position (GRCh38, 1-based): chr16:23,622,980, T>G on the plus strand (A>C on the coding strand, the complement: PALB2 is on the minus strand). VCF-style: chr16-23622980-T-G. GRCh37 (hg19) VCF-style: chr16-23634301-T-G.
Other names: c.2925A>C, p.Ala975= (NM_001407296.1); c.2913A>C, p.Ala971= (NM_001407297.1); c.2823A>C, p.Ala941= (NM_001407298.1, NM_001407302.1); c.2985A>C, p.Ala995= (NM_001407299.1, NM_001407301.1); c.2100A>C, p.Ala700= (NM_001407304.1, NM_001407305.1, NM_001407306.1 and 4 more transcripts); c.1938A>C, p.Ala646= (NM_001407307.1); c.1197A>C, p.Ala399= (NM_001407312.1, NM_001407313.1); c.519A>C, p.Ala173= (NM_001407314.1); and 1 more.
Identifiers: ClinVar variation 3903862 (VCV003903862.1).

ClinVar aggregate classification (germline): Benign (1 of 4 stars; one submission).

Conditions:
Familial cancer of breast. Also called: Hereditary breast cancer; hereditary breast carcinoma; BREAST CANCER, FAMILIAL. Identifiers: Orphanet 227535, MedGen C0346153, MONDO:0016419, OMIM 114480. Disease mechanism: loss of function.

Submission:

Myriad Genetics, Inc.
Classification: Benign for Familial cancer of breast. Last evaluated: 2025-01-21. Review status: criteria provided, single submitter. Criteria: Myriad Autosomal Dominant, Autosomal Recessive and X-Linked Classification Criteria (2023). Collection method: clinical testing. Allele origin: unknown.
Comment: This variant is considered benign. This variant is a silent/synonymous amino acid change and it is not expected to impact splicing.